The following is an entry in ClinVar:

ClinVar aggregate classification (germline): Uncertain significance (1 of 4 stars; one submission).

Submission:

GeneDx
Classification: Uncertain significance. Last evaluated: 2021-12-30. Review status: criteria provided, single submitter. Criteria: GeneDx Variant Classification Process June 2021. Collection method: clinical testing. Allele origin: germline. Affected: yes.
Comment: Not observed at significant frequency in large population cohorts (gnomAD); In silico analysis supports that this missense variant has a deleterious effect on protein structure/function; Has not been previously published as pathogenic or benign to our knowledge

NM_001257180.2(SLC20A2):c.638G>C (p.Trp213Ser)

Gene: SLC20A2 (solute carrier family 20 member 2; minus strand). Cytogenetic location: 8p11.21.
Variant type: single nucleotide variant.
Coding change: c.638G>C on transcript NM_001257180.2 (MANE Select); coding-DNA position 638, G replaced by C.
Protein change: p.Trp213Ser; replaces tryptophan 213 with serine.
Molecular consequence: missense variant.
Genome position (GRCh38, 1-based): chr8:42,444,738, C>G on the plus strand (G>C on the coding strand, the complement: SLC20A2 is on the minus strand). VCF-style: chr8-42444738-C-G. GRCh37 (hg19) VCF-style: chr8-42302256-C-G.
Other names: c.638G>C, p.Trp213Ser (NM_001257181.2, NM_006749.5); short protein forms W213S.
Identifiers: ClinVar variation 1693379 (VCV001693379.2), dbSNP rs1805071286, ClinGen allele CA371082290.